The following is an entry in ClinVar:

ClinVar aggregate classification (germline): Likely benign. Review status: criteria provided, multiple submitters, no conflicts (2 of 4 stars). 6 submissions from 6 submitters: Likely benign (5). 1 of the submissions does not count toward it. Last evaluated 2025-12-24.

Conditions:
MITF-related disorder. Also called: MITF-related condition.
Hereditary cancer-predisposing syndrome. Also called: Hereditary Cancer Syndrome; Tumor predisposition; Neoplastic Syndromes, Hereditary; Hereditary neoplastic syndrome. Identifiers: Orphanet 140162, MedGen C0027672, MeSH D009386, MONDO:0015356.
Tietz syndrome (TADS). Also called: HYPOPIGMENTATION/DEAFNESS OF TIETZ; ALBINISM-DEAFNESS OF TIETZ; TIETZ ALBINISM-DEAFNESS SYNDROME. Identifiers: Orphanet 42665, MedGen C0391816, MONDO:0007077, OMIM 103500.
Melanoma, cutaneous malignant, susceptibility to, 8. Also called: MELANOMA AND RENAL CELL CARCINOMA, SUSCEPTIBILITY TO; Cutaneous malignant melanoma 8. Identifiers: Orphanet 293822, MedGen C3152204, MONDO:0013759, OMIM 614456.
Waardenburg syndrome type 2A (WS2A). Also called: WAARDENBURG SYNDROME WITHOUT DYSTOPIA CANTHORUM. Identifiers: Orphanet 3440, MedGen C1860339, MONDO:0008671, OMIM 193510.

Allele frequency attached by ClinVar (database versions not stated): gnomAD exomes 0.00001 and 0.00002; gnomAD 0.00002 and 0.00003; ExAC 0.00003; TOPMed 0.00004.
gnomAD v4.1: 25 of 1,614,018 alleles (0.0015%); highest among the groups gnomAD compares: Middle Eastern, 0.016%; no homozygotes.

Submissions (6):

Labcorp Genetics (formerly Invitae), Labcorp
Classification: Likely benign for Melanoma, cutaneous malignant, susceptibility to, 8; Waardenburg syndrome type 2A; Tietz syndrome. Last evaluated: 2025-12-24. Review status: criteria provided, single submitter. Criteria: Invitae Variant Classification Sherloc (09022015). Collection method: clinical testing. Allele origin: germline.

Center for Genomic Medicine, Rigshospitalet, Copenhagen University Hospital
Classification: Likely benign. Last evaluated: 2025-03-04. Review status: criteria provided, single submitter. Criteria: ACMG Guidelines, 2015. Collection method: clinical testing. Allele origin: germline.

Blueprint Genetics
Classification: Likely benign. Last evaluated: 2024-10-17. Review status: criteria provided, single submitter. Criteria: ACMG Guidelines, 2015. Collection method: clinical testing. Allele origin: germline.

Ambry Genetics
Classification: Likely benign for Hereditary cancer-predisposing syndrome. Last evaluated: 2024-10-05. Review status: criteria provided, single submitter. Criteria: Ambry Variant Classification Scheme 2023. Collection method: clinical testing. Allele origin: germline.

GeneDx
Classification: Likely benign. Last evaluated: 2020-06-15. Review status: criteria provided, single submitter. Criteria: GeneDx Variant Classification Process June 2021. Collection method: clinical testing. Allele origin: germline. Affected: yes.

PreventionGenetics, part of Exact Sciences
Classification: Likely benign for MITF-related condition. Last evaluated: 2024-04-05. Review status: no assertion criteria provided. Collection method: clinical testing. Allele origin: germline. Not counted in ClinVar's aggregate classification.
Comment: This variant is classified as likely benign based on ACMG/AMP sequence variant interpretation guidelines (Richards et al. 2015 PMID: 25741868, with internal and published modifications).

NM_001354604.2(MITF):c.513G>A (p.Pro171=)

Gene: MITF (melanocyte inducing transcription factor; plus strand). Cytogenetic location: 3p13.
Variant type: single nucleotide variant.
Coding change: c.513G>A on transcript NM_001354604.2 (MANE Select); coding-DNA position 513, G replaced by A.
Protein change: p.Pro171=; no amino-acid change (proline 171 retained).
Molecular consequence: synonymous variant. On other transcripts: intron variant (1).
Genome position (GRCh38, 1-based): chr3:69,937,980, G>A. VCF-style: chr3-69937980-G-A. GRCh37 (hg19) VCF-style: chr3-69987131-G-A.
Other names: c.192G>A, p.Pro64= (NM_000248.4, NM_001184968.2, NM_198158.3); c.357G>A, p.Pro119= (NM_001184967.2, NM_001354608.2); c.510G>A, p.Pro170= (NM_001354605.2, NM_001354606.2, NM_006722.3); c.462G>A, p.Pro154= (NM_001354607.2); c.513G>A, p.Pro171= (NM_198159.3); c.465G>A, p.Pro155= (NM_198177.3); c.93+99G>A (NM_198178.3).
Identifiers: ClinVar variation 1191927 (VCV001191927.17), dbSNP rs774998383, ClinGen allele CA2490368.